The following is an entry in ClinVar:

NM_000217.3(KCNA1):c.1126G>C (p.Gly376Arg)

Gene: KCNA1 (potassium voltage-gated channel subfamily A member 1; plus strand). Cytogenetic location: 12p13.32.
Variant type: single nucleotide variant.
Coding change: c.1126G>C on transcript NM_000217.3 (MANE Select); coding-DNA position 1126, G replaced by C.
Protein change: p.Gly376Arg; replaces glycine 376 with arginine.
Molecular consequence: missense variant.
Genome position (GRCh38, 1-based): chr12:4,912,504, G>C. VCF-style: chr12-4912504-G-C. GRCh37 (hg19) VCF-style: chr12-5021670-G-C.
Other names: short protein forms G376R.
Identifiers: ClinVar variation 453118 (VCV000453118.5), dbSNP rs1555085786, ClinGen allele CA383456100.

ClinVar aggregate classification (germline): Conflicting classifications of pathogenicity. Review status: criteria provided, conflicting classifications (1 of 4 stars). 2 submissions from 2 submitters: Likely pathogenic (1); Uncertain significance (1). Last evaluated 2024-12-17.

Conditions:
Episodic ataxia type 1 (EA1). Also called: MYOKYMIA WITH PERIODIC ATAXIA; PAROXYSMAL ATAXIA WITH NEUROMYOTONIA, HEREDITARY; Episodic ataxia/myokymia syndrome; ATAXIA, EPISODIC, WITH MYOKYMIA. Identifiers: Orphanet 37612, Orphanet 972, MedGen C1719788, MONDO:0008047, OMIM 160120.

Submissions (2):

Labcorp Genetics (formerly Invitae), Labcorp
Classification: Likely pathogenic for Episodic ataxia type 1. Last evaluated: 2024-12-17. Review status: criteria provided, single submitter. Criteria: Invitae Variant Classification Sherloc (09022015). Collection method: clinical testing. Allele origin: germline.
Comment: This sequence change replaces glycine, which is neutral and non-polar, with arginine, which is basic and polar, at codon 376 of the KCNA1 protein (p.Gly376Arg). This variant is not present in population databases (gnomAD no frequency). This variant has not been reported in the literature in individuals affected with KCNA1-related conditions. ClinVar contains an entry for this variant (Variation ID: 453118). Invitae Evidence Modeling of protein sequence and biophysical properties (such as structural, functional, and spatial information, amino acid conservation, physicochemical variation, residue mobility, and thermodynamic stability) indicates that this missense variant is expected to disrupt KCNA1 protein function with a positive predictive value of 95%. This variant disrupts the p.Gly376 amino acid residue in KCNA1. Other variant(s) that disrupt this residue have been determined to be pathogenic (PMID: 32705822; Internal data). This suggests that this residue is clinically significant, and that variants that disrupt this residue are likely to be disease-causing. In summary, the currently available evidence indicates that the variant is pathogenic, but additional data are needed to prove that conclusively. Therefore, this variant has been classified as Likely Pathogenic.

GeneDx
Classification: Uncertain significance. Last evaluated: 2017-10-31. Review status: criteria provided, single submitter. Criteria: GeneDx Variant Classification (06012015). Collection method: clinical testing. Allele origin: germline. Affected: yes.
Comment: The G376R variant has not been published as a pathogenic variant, nor has it been reported as a benign variant to our knowledge. The G376R variant is not observed in large population cohorts (Lek et al., 2016). The G376R variant is a non-conservative amino acid substitution, which is likely to impact secondary protein structure as these residues differ in polarity, charge, size and/or other properties. This substitution occurs at a position that is conserved across species, and in silico analysis predicts this variant is probably damaging to the protein structure/function. Based on the currently available information, it is unclear whether this variant is a pathogenic variant or a rare benign variant.

Literature cited by the submitters: PubMed 32705822 (cited by Labcorp Genetics (formerly Invitae), Labcorp).